The following is an entry in ClinVar:

NM_001271.4(CHD2):c.230C>T (p.Pro77Leu)

Gene: CHD2 (chromodomain helicase DNA binding protein 2; plus strand). Cytogenetic location: 15q26.1.
Variant type: single nucleotide variant.
Coding change: c.230C>T on transcript NM_001271.4 (MANE Select); coding-DNA position 230, C replaced by T.
Protein change: p.Pro77Leu; replaces proline 77 with leucine.
Molecular consequence: missense variant.
Genome position (GRCh38, 1-based): chr15:92,924,488, C>T. VCF-style: chr15-92924488-C-T. GRCh37 (hg19) VCF-style: chr15-93467718-C-T.
Other names: c.230C>T, p.Pro77Leu (NM_001042572.3); short protein forms P77L.
Identifiers: ClinVar variation 2708122 (VCV002708122.3), dbSNP rs2505384656, ClinGen allele CA393896365.
Genomic context (GRCh38, chr15:92,924,488, plus strand): 5'-CTGAATCTTCTGAGAGTCAGTCGGAATCTGAGAGCGAATCAGCAGGTTCCAAATCCCAGC[C>T]AGTCCTCCCAGAAGCCAAAGAGAAGCCAGCCTCTAAGAAGGAACGGATAGCTGATGTGAA-3'
Protein context (NP_001262.3, residues 67-87): ESESAGSKSQ[Pro77Leu]VLPEAKEKPA

ClinVar aggregate classification (germline): Uncertain significance (1 of 4 stars; one submission).

Conditions:
Developmental and epileptic encephalopathy 94 (DEE94). Also called: CHD2-Related Neurodevelopmental Disorders; Epileptic encephalopathy, childhood-onset. Identifiers: Orphanet 1942, Orphanet 2382, MedGen C3809278, MONDO:0014150, OMIM 615369.

Submission:

Labcorp Genetics (formerly Invitae), Labcorp
Classification: Uncertain significance for Developmental and epileptic encephalopathy 94. Last evaluated: 2024-01-07. Review status: criteria provided, single submitter. Criteria: Invitae Variant Classification Sherloc (09022015). Collection method: clinical testing. Allele origin: germline.
Comment: This sequence change replaces proline, which is neutral and non-polar, with leucine, which is neutral and non-polar, at codon 77 of the CHD2 protein (p.Pro77Leu). This variant is not present in population databases (gnomAD no frequency). This variant has not been reported in the literature in individuals affected with CHD2-related conditions. Advanced modeling of protein sequence and biophysical properties (such as structural, functional, and spatial information, amino acid conservation, physicochemical variation, residue mobility, and thermodynamic stability) performed at Invitae indicates that this missense variant is not expected to disrupt CHD2 protein function with a negative predictive value of 95%. In summary, the available evidence is currently insufficient to determine the role of this variant in disease. Therefore, it has been classified as a Variant of Uncertain Significance.